The following is an entry in ClinVar:

ClinVar aggregate classification (germline): Likely benign. Review status: criteria provided, multiple submitters, no conflicts (2 of 4 stars). 3 submissions from 3 submitters: Likely benign (2). 1 of the submissions does not count toward it. Last evaluated 2026-01-26.

Conditions:
Hereditary cancer-predisposing syndrome. Also called: Hereditary neoplastic syndrome; Neoplastic Syndromes, Hereditary; Tumor predisposition; Hereditary Cancer Syndrome. Identifiers: Orphanet 140162, MedGen C0027672, MeSH D009386, MONDO:0015356.
ALK-related disorder. Also called: ALK-related condition.
Neuroblastoma, susceptibility to, 3. Also called: ALK-Related Neuroblastic Tumor Susceptibility. Identifiers: Orphanet 635, MedGen C2751681, MONDO:0013083, OMIM 613014.

Allele frequency attached by ClinVar (database versions not stated): gnomAD exomes 0.00001 and 0.00003; TOPMed 0.00011; gnomAD 0.00014 and 0.00016.
gnomAD v4.1: 35 of 1,551,296 alleles (0.0023%); highest among the groups gnomAD compares: African/African-American, 0.045%; no homozygotes.

Submissions (3):

Labcorp Genetics (formerly Invitae), Labcorp
Classification: Likely benign for Neuroblastoma, susceptibility to, 3. Last evaluated: 2026-01-26. Review status: criteria provided, single submitter. Criteria: Invitae Variant Classification Sherloc (09022015). Collection method: clinical testing. Allele origin: germline.

Ambry Genetics
Classification: Likely benign for Hereditary cancer-predisposing syndrome. Last evaluated: 2022-02-26. Review status: criteria provided, single submitter. Criteria: Ambry Variant Classification Scheme 2023. Collection method: clinical testing. Allele origin: germline.

PreventionGenetics, part of Exact Sciences
Classification: Likely benign for ALK-related condition. Last evaluated: 2024-02-19. Review status: no assertion criteria provided. Collection method: clinical testing. Allele origin: germline. Not counted in ClinVar's aggregate classification.
Comment: This variant is classified as likely benign based on ACMG/AMP sequence variant interpretation guidelines (Richards et al. 2015 PMID: 25741868, with internal and published modifications).

NM_004304.5(ALK):c.315G>A (p.Ala105=)

Gene: ALK (ALK receptor tyrosine kinase; minus strand). Cytogenetic location: 2p23.1.
Variant type: single nucleotide variant.
Coding change: c.315G>A on transcript NM_004304.5 (MANE Select); coding-DNA position 315, G replaced by A.
Protein change: p.Ala105=; no amino-acid change (alanine 105 retained).
Molecular consequence: synonymous variant.
Genome position (GRCh38, 1-based): chr2:29,920,345, C>T on the plus strand (G>A on the coding strand, the complement: ALK is on the minus strand). VCF-style: chr2-29920345-C-T. GRCh37 (hg19) VCF-style: chr2-30143211-C-T.
Identifiers: ClinVar variation 470818 (VCV000470818.16), dbSNP rs897667874, ClinGen allele CA45004773.